The following is an entry in ClinVar:

NM_000553.6(WRN):c.271A>G (p.Arg91Gly)

Gene: WRN (WRN RecQ like helicase; plus strand). Cytogenetic location: 8p12.
Variant type: single nucleotide variant.
Coding change: c.271A>G on transcript NM_000553.6 (MANE Select); coding-DNA position 271, A replaced by G.
Protein change: p.Arg91Gly; replaces arginine 91 with glycine.
Molecular consequence: missense variant.
Genome position (GRCh38, 1-based): chr8:31,064,350, A>G. VCF-style: chr8-31064350-A-G. GRCh37 (hg19) VCF-style: chr8-30921866-A-G.
Other names: short protein forms R91G.
Identifiers: ClinVar variation 1057015 (VCV001057015.3), dbSNP rs2130032437, ClinGen allele CA370914158.

ClinVar aggregate classification (germline): Uncertain significance (1 of 4 stars; one submission).

Conditions:
Werner syndrome (WRN). Identifiers: Orphanet 902, MedGen C0043119, MONDO:0010196, OMIM 277700.

Allele frequency attached by ClinVar (database versions not stated): gnomAD exomes below 0.00001.
gnomAD v4.1: 1 of 1,614,152 alleles (0.000062%); highest among the groups gnomAD compares: Non-Finnish European, 0.000085%; no homozygotes.

Submission:

Labcorp Genetics (formerly Invitae), Labcorp
Classification: Uncertain significance for Werner syndrome. Last evaluated: 2020-07-20. Review status: criteria provided, single submitter. Criteria: Invitae Variant Classification Sherloc (09022015). Collection method: clinical testing. Allele origin: germline.
Comment: In summary, the available evidence is currently insufficient to determine the role of this variant in disease. Therefore, it has been classified as a Variant of Uncertain Significance. Algorithms developed to predict the effect of missense changes on protein structure and function are either unavailable or do not agree on the potential impact of this missense change (SIFT: "Not Available"; PolyPhen-2: "Benign"; Align-GVGD: "Not Available"). This variant has not been reported in the literature in individuals with WRN-related conditions. This variant is not present in population databases (ExAC no frequency). This sequence change replaces arginine with glycine at codon 91 of the WRN protein (p.Arg91Gly). The arginine residue is weakly conserved and there is a moderate physicochemical difference between arginine and glycine.